The following is an entry in ClinVar:

ClinVar aggregate classification (germline): Benign. Review status: criteria provided, multiple submitters, no conflicts (2 of 4 stars). 9 submissions from 9 submitters: Benign (6). 3 of the submissions do not count toward it. Last evaluated 2026-02-04.

Conditions:
SYNE2-related disorder. Also called: SYNE2-related condition.
Emery-Dreifuss muscular dystrophy 5, autosomal dominant (EDMD5). Also called: EMERY-DREIFUSS MUSCULAR DYSTROPHY 5. Identifiers: Orphanet 261, MedGen C2751805, MONDO:0013072, OMIM 612999.

Allele frequency attached by ClinVar (database versions not stated): gnomAD exomes 0.00565 and 0.01161; ExAC 0.01439; gnomAD 0.03696 and 0.03914; ESP Exome Variant Server 0.03772; TOPMed 0.04139; 1000 Genomes Project 0.04912; 1000 Genomes Project 30x 0.05184.
gnomAD v4.1: 14,142 of 1,614,154 alleles (0.88%); highest among the groups gnomAD compares: African/African-American, 13%; 752 homozygotes.

Submissions (9):

Labcorp Genetics (formerly Invitae), Labcorp
Classification: Benign for Emery-Dreifuss muscular dystrophy 5, autosomal dominant. Last evaluated: 2026-02-04. Review status: criteria provided, single submitter. Criteria: Invitae Variant Classification Sherloc (09022015). Collection method: clinical testing. Allele origin: germline.

Athena Diagnostics
Classification: Benign. Last evaluated: 2024-10-29. Review status: criteria provided, single submitter. Criteria: Athena Diagnostics Criteria. Collection method: clinical testing. Allele origin: unknown.

GeneDx
Classification: Benign. Last evaluated: 2018-07-09. Review status: criteria provided, single submitter. Criteria: GeneDx Variant Classification Process June 2021. Collection method: clinical testing. Allele origin: germline. Affected: yes.

Illumina Laboratory Services, Illumina
Classification: Benign for Emery-Dreifuss muscular dystrophy 5, autosomal dominant. Last evaluated: 2018-01-13. Review status: criteria provided, single submitter. Criteria: ICSL Variant Classification Criteria 13 December 2019. Collection method: clinical testing. Allele origin: germline.
Comment: This variant was observed in the ICSL laboratory as part of a predisposition screen in an ostensibly healthy population. It had not been previously curated by ICSL or reported in the Human Gene Mutation Database (HGMD: prior to June 1st, 2018), and was therefore a candidate for classification through an automated scoring system. Utilizing variant allele frequency, disease prevalence and penetrance estimates, and inheritance mode, an automated score was calculated to assess if this variant is too frequent to cause the disease. Based on the score and internal cut-off values, a variant classified as benign is not then subjected to further curation. The score for this variant resulted in a classification of benign for this disease.

Genome Diagnostics Laboratory, University Medical Center Utrecht
Classification: Benign for Emery-Dreifuss muscular dystrophy 5, autosomal dominant. Last evaluated: 2016-04-07. Review status: criteria provided, single submitter. Criteria: ACGS Guidelines, 2013. Collection method: clinical testing. Allele origin: germline. Affected: yes. Study: VKGL Data-share Consensus.

Breakthrough Genomics
Classification: Benign. Review status: criteria provided, single submitter. Criteria: ACMG Guidelines, 2015. Collection method: not provided. Allele origin: germline. Inheritance: Autosomal dominant inheritance. Affected: yes.

PreventionGenetics, part of Exact Sciences
Classification: Benign for SYNE2-related condition. Last evaluated: 2020-01-31. Review status: no assertion criteria provided. Collection method: clinical testing. Allele origin: germline. Not counted in ClinVar's aggregate classification.
Comment: This variant is classified as benign based on ACMG/AMP sequence variant interpretation guidelines (Richards et al. 2015 PMID: 25741868, with internal and published modifications).

Clinical Genetics, Academic Medical Center
Classification: Benign. Review status: no assertion criteria provided. Collection method: clinical testing. Allele origin: germline. Affected: yes. Study: VKGL Data-share Consensus. Not counted in ClinVar's aggregate classification.

Genetic Services Laboratory, University of Chicago
Classification: Likely benign for AllHighlyPenetrant. Review status: no assertion criteria provided. Collection method: clinical testing. Allele origin: germline. Inheritance: Autosomal dominant inheritance. Not counted in ClinVar's aggregate classification.
Comment: Likely benign based on allele frequency in 1000 Genomes Project or ESP global frequency and its presence in a patient with a rare or unrelated disease phenotype. NOT Sanger confirmed.

NM_182914.3(SYNE2):c.7075A>G (p.Ser2359Gly)

Gene: SYNE2 (spectrin repeat containing nuclear envelope protein 2; plus strand). Cytogenetic location: 14q23.2.
Variant type: single nucleotide variant.
Coding change: c.7075A>G on transcript NM_182914.3 (MANE Select); coding-DNA position 7075, A replaced by G.
Protein change: p.Ser2359Gly; replaces serine 2359 with glycine.
Molecular consequence: missense variant.
Genome position (GRCh38, 1-based): chr14:64,031,211, A>G. VCF-style: chr14-64031211-A-G. GRCh37 (hg19) VCF-style: chr14-64497929-A-G.
Other names: c.7075A>G, p.Ser2359Gly (NM_015180.6); short protein forms S2359G.
Identifiers: ClinVar variation 130507 (VCV000130507.27), dbSNP rs7157465, ClinGen allele CA155598.
Genomic context (GRCh38, chr14:64,031,211, plus strand): 5'-CAAAAAGATTTGGAAAACAGGCTTGCATCTGCTAAGCAGGAGATGGAATGTTGTCTCAAC[A>G]GCATTCTCAAATCAAAACGCTCAACAGAAAAGAAAGGAAAGTTTACTCTGCCAGGCAGAG-3'
Protein context (NP_878918.2, residues 2349-2369): AKQEMECCLN[Ser2359Gly]ILKSKRSTEK